The following is an entry in ClinVar:

ClinVar aggregate classification (germline): Uncertain significance (1 of 4 stars; one submission).

Conditions:
Generalized epilepsy with febrile seizures plus, type 7 (GEFSP7). Also called: GEFS+, TYPE 7. Identifiers: Orphanet 36387, MedGen C2751778, MONDO:0013470, OMIM 613863.
Neuropathy, hereditary sensory and autonomic, type 2A (HSAN2A). Also called: ACROOSTEOLYSIS, NEUROGENIC; ACROOSTEOLYSIS, GIACCAI TYPE; MORVAN DISEASE; WNK1-Related HSAN2 (HSAN2A); NEUROPATHY, CONGENITAL SENSORY; NEUROPATHY, HEREDITARY SENSORY RADICULAR, AUTOSOMAL RECESSIVE. Identifiers: Orphanet 970, MedGen C2752089, MONDO:0024309, OMIM 201300.

Allele frequency attached by ClinVar (database versions not stated): gnomAD exomes below 0.00001 and 0.00001; gnomAD 0.00001; TOPMed 0.00001; ExAC 0.00002.
gnomAD v4.1: 13 of 1,613,986 alleles (0.00081%); highest among the groups gnomAD compares: African/African-American, 0.0067%; no homozygotes.

Submission:

Labcorp Genetics (formerly Invitae), Labcorp
Classification: Uncertain significance for Neuropathy, hereditary sensory and autonomic, type 2A; Generalized epilepsy with febrile seizures plus, type 7. Last evaluated: 2022-02-24. Review status: criteria provided, single submitter. Criteria: Invitae Variant Classification Sherloc (09022015). Collection method: clinical testing. Allele origin: germline.
Comment: In summary, the available evidence is currently insufficient to determine the role of this variant in disease. Therefore, it has been classified as a Variant of Uncertain Significance. Algorithms developed to predict the effect of missense changes on protein structure and function are either unavailable or do not agree on the potential impact of this missense change (SIFT: "Deleterious"; PolyPhen-2: "Benign"; Align-GVGD: "Class C0"). This variant has not been reported in the literature in individuals affected with SCN9A-related conditions. This variant is present in population databases (rs762462693, gnomAD 0.008%). This sequence change replaces aspartic acid, which is acidic and polar, with asparagine, which is neutral and polar, at codon 1781 of the SCN9A protein (p.Asp1781Asn).

NM_001365536.1(SCN9A):c.5374G>A (p.Asp1792Asn)

Genes: SCN9A (sodium voltage-gated channel alpha subunit 9; minus strand), SCN1A-AS1 (SCN1A and SCN9A antisense RNA 1; plus strand). Cytogenetic location: 2q24.3.
Variant type: single nucleotide variant.
Coding change: c.5374G>A on transcript NM_001365536.1 (MANE Select); coding-DNA position 5374, G replaced by A.
Protein change: p.Asp1792Asn; replaces aspartic acid 1792 with asparagine.
Molecular consequence: missense variant.
Genome position (GRCh38, 1-based): chr2:166,199,265, C>T on the plus strand (G>A on the coding strand, the complement: SCN9A is on the minus strand). VCF-style: chr2-166199265-C-T. GRCh37 (hg19) VCF-style: chr2-167055775-C-T.
Other names: c.5341G>A, p.Asp1781Asn (NM_002977.4); short protein forms D1792N, D1781N.
Identifiers: ClinVar variation 1446602 (VCV001446602.8), dbSNP rs762462693, ClinGen allele CA1943687.